The following is an entry in ClinVar:

NM_001378452.1(ITPR1):c.3658G>A (p.Ala1220Thr)

Gene: ITPR1 (inositol 1,4,5-trisphosphate receptor type 1; plus strand). Cytogenetic location: 3p26.1.
Variant type: single nucleotide variant.
Coding change: c.3658G>A on transcript NM_001378452.1 (MANE Select); coding-DNA position 3658, G replaced by A.
Protein change: p.Ala1220Thr; replaces alanine 1220 with threonine.
Molecular consequence: missense variant.
Genome position (GRCh38, 1-based): chr3:4,685,162, G>A. VCF-style: chr3-4685162-G-A. GRCh37 (hg19) VCF-style: chr3-4726846-G-A.
Other names: c.3631G>A, p.Ala1211Thr (NM_001099952.4); c.3613G>A, p.Ala1205Thr (NM_001168272.2); c.3586G>A, p.Ala1196Thr (NM_002222.7); c.3586G>A (NM_002222.5); short protein forms A1196T, A1220T, A1205T, A1211T.
Identifiers: ClinVar variation 1921872 (VCV001921872.7), dbSNP rs376380738, ClinGen allele CA2231762.

ClinVar aggregate classification (germline): Uncertain significance. Review status: criteria provided, multiple submitters, no conflicts (2 of 4 stars). 3 submissions from 3 submitters: Uncertain significance (3). Last evaluated 2025-09-16.

Allele frequency attached by ClinVar (database versions not stated): ExAC 0.00002; gnomAD exomes 0.00004; TOPMed 0.00004; ESP Exome Variant Server 0.00008.
gnomAD v4.1: 65 of 1,607,908 alleles (0.004%); highest among the groups gnomAD compares: Middle Eastern, 0.016%; no homozygotes.

Submissions (3):

Labcorp Genetics (formerly Invitae), Labcorp
Classification: Uncertain significance. Last evaluated: 2025-09-16. Review status: criteria provided, single submitter. Criteria: Invitae Variant Classification Sherloc (09022015). Collection method: clinical testing. Allele origin: germline.
Comment: This sequence change replaces alanine, which is neutral and non-polar, with threonine, which is neutral and polar, at codon 1196 of the ITPR1 protein (p.Ala1196Thr). This variant is present in population databases (rs376380738, gnomAD 0.03%). This variant has not been reported in the literature in individuals affected with ITPR1-related conditions. ClinVar contains an entry for this variant (Variation ID: 1921872). Invitae Evidence Modeling of protein sequence and biophysical properties (such as structural, functional, and spatial information, amino acid conservation, physicochemical variation, residue mobility, and thermodynamic stability) has been performed for this missense variant. However, the output from this modeling did not meet the statistical confidence thresholds required to predict the impact of this variant on ITPR1 protein function. In summary, the available evidence is currently insufficient to determine the role of this variant in disease. Therefore, it has been classified as a Variant of Uncertain Significance.

GeneDx
Classification: Uncertain significance. Last evaluated: 2025-03-04. Review status: criteria provided, single submitter. Criteria: GeneDx Variant Classification Process June 2021. Collection method: clinical testing. Allele origin: germline. Affected: yes.
Comment: In silico analysis supports that this missense variant has a deleterious effect on protein structure/function; Has not been previously published as pathogenic or benign to our knowledge

Blueprint Genetics
Classification: Uncertain significance. Last evaluated: 2023-09-06. Review status: criteria provided, single submitter. Criteria: ACMG Guidelines, 2015. Collection method: clinical testing. Allele origin: germline.